The following is an entry in ClinVar:

ClinVar aggregate classification (germline): Uncertain significance (1 of 4 stars; one submission).

Conditions:
Desmin-related myofibrillar myopathy (MFM1). Also called: Desminopathy; Desmin related myopathy (former name); Desmin storage myopathy (former name); MYOFIBRILLAR MYOPATHY WITH ARRHYTHMOGENIC RIGHT VENTRICULAR CARDIOMYOPATHY; DESMIN-RELATED MYOPATHY WITH ARRHYTHMOGENIC RIGHT VENTRICULAR CARDIOMYOPATHY; Myofibrillar myopathy 1. Identifiers: Orphanet 363543, Orphanet 98909, MedGen C1832370, MONDO:0011076, OMIM 601419.

gnomAD v4.1: 1 of 1,604,516 alleles (0.000062%); no homozygotes.

Submission:

Labcorp Genetics (formerly Invitae), Labcorp
Classification: Uncertain significance for Desmin-related myofibrillar myopathy. Last evaluated: 2025-01-20. Review status: criteria provided, single submitter. Criteria: Invitae Variant Classification Sherloc (09022015). Collection method: clinical testing. Allele origin: germline.
Comment: This sequence change replaces glycine, which is neutral and non-polar, with valine, which is neutral and non-polar, at codon 44 of the DES protein (p.Gly44Val). This variant is not present in population databases (gnomAD no frequency). This variant has not been reported in the literature in individuals affected with DES-related conditions. ClinVar contains an entry for this variant (Variation ID: 956977). Invitae Evidence Modeling of protein sequence and biophysical properties (such as structural, functional, and spatial information, amino acid conservation, physicochemical variation, residue mobility, and thermodynamic stability) indicates that this missense variant is not expected to disrupt DES protein function with a negative predictive value of 80%. In summary, the available evidence is currently insufficient to determine the role of this variant in disease. Therefore, it has been classified as a Variant of Uncertain Significance.

NM_001927.4(DES):c.131G>T (p.Gly44Val)

Gene: DES (desmin; plus strand). Cytogenetic location: 2q35.
Variant type: single nucleotide variant.
Coding change: c.131G>T on transcript NM_001927.4 (MANE Select); coding-DNA position 131, G replaced by T.
Protein change: p.Gly44Val; replaces glycine 44 with valine.
Molecular consequence: missense variant.
Genome position (GRCh38, 1-based): chr2:219,418,593, G>T. VCF-style: chr2-219418593-G-T. GRCh37 (hg19) VCF-style: chr2-220283315-G-T.
Other names: c.131G>T, p.Gly44Val (NM_001382708.1, NM_001382709.1, NM_001382710.1 and 3 more transcripts); short protein forms G44V.
Identifiers: ClinVar variation 956977 (VCV000956977.10), dbSNP rs1954364360, ClinGen allele CA350683193.